The following is an entry in ClinVar:

ClinVar aggregate classification (germline): Pathogenic. Review status: reviewed by expert panel (3 of 4 stars). 7 submissions from 7 submitters: Pathogenic (1). 6 of the submissions do not count toward it. Last evaluated 2016-10-18.

Conditions:
Hereditary cancer-predisposing syndrome. Also called: Hereditary Cancer Syndrome; Hereditary neoplastic syndrome; Neoplastic Syndromes, Hereditary; Tumor predisposition. Identifiers: Orphanet 140162, MedGen C0027672, MeSH D009386, MONDO:0015356.
Hereditary breast ovarian cancer syndrome. Also called: BRCA1- and BRCA2-Associated Hereditary Breast and Ovarian Cancer; Hereditary breast and ovarian cancer syndrome; Hereditary breast and ovarian cancer syndrome (HBOC); Breast and ovarian cancer; Hereditary breast and/or ovarian cancer syndrome; Hereditary breast and ovarian cancer. Identifiers: Orphanet 145, MedGen C0677776, MeSH D061325, MONDO:0003582. Disease mechanism: loss of function.
Breast-ovarian cancer, familial, susceptibility to, 1 (BROVCA1). Also called: BRCA1 Hereditary Breast and Ovarian Cancer; OVARIAN CANCER, SUSCEPTIBILITY TO. Identifiers: Orphanet 145, MedGen C2676676, MONDO:0011450, OMIM 604370. Disease mechanism: loss of function.
Familial cancer of breast. Also called: hereditary breast carcinoma; BREAST CANCER, FAMILIAL; Hereditary breast cancer. Identifiers: Orphanet 227535, MedGen C0346153, MONDO:0016419, OMIM 114480. Disease mechanism: loss of function.

Submissions (7):

Evidence-based Network for the Interpretation of Germline Mutant Alleles (ENIGMA)
Classification: Pathogenic for Breast-ovarian cancer, familial, susceptibility to, 1. Last evaluated: 2016-10-18. Review status: reviewed by expert panel. Criteria: ENIGMA BRCA1/2 Classification Criteria (2015). Collection method: curation. Allele origin: germline.
Comment: Variant allele predicted to encode a truncated non-functional protein.

Department of Clinical Genetics, Copenhagen University Hospital, Rigshospitalet
Classification: Pathogenic for Familial cancer of breast. Last evaluated: 2025-12-10. Review status: criteria provided, single submitter. Criteria: ACMG Guidelines, 2015. Collection method: clinical testing. Allele origin: germline. Not counted in ClinVar's aggregate classification.
Comment: The following ACMG criteria has been used: PM2_SUP; PVS1; PM5_Strong (PTC)

Unidad Asesoramiento Genetico Oncologico Falp, Instituto Oncologico Fundacion Arturo Lopez Perez
Classification: Pathogenic for Breast-ovarian cancer, familial, susceptibility to, 1. Last evaluated: 2023-08-01. Review status: criteria provided, single submitter. Criteria: ACMG Guidelines, 2015. Collection method: clinical testing. Allele origin: unknown. Affected: yes. Not counted in ClinVar's aggregate classification.

Ambry Genetics
Classification: Pathogenic for Hereditary cancer-predisposing syndrome. Last evaluated: 2020-11-20. Review status: criteria provided, single submitter. Criteria: Ambry Variant Classification Scheme 2023. Collection method: clinical testing. Allele origin: germline. Not counted in ClinVar's aggregate classification.
Comment: The c.4057_4061delGAAAA pathogenic mutation, located in coding exon 9 of the BRCA1 gene, results from a deletion of 5 nucleotides at nucleotide positions 4057 to 4061, causing a translational frameshift with a predicted alternate stop codon (p.E1353*). This alteration has been identified in multiple breast and/or ovarian cancer families (Hansen TV et al. Fam Cancer, 2011 Jun;10:207-12; Rebbeck TR et al. Hum Mutat, 2018 05;39:593-620; Ryu JM et al. Breast Cancer Res Treat, 2019 Jan;173:385-395). In addition to the clinical data presented in the literature, this alteration is expected to result in loss of function by premature protein truncation or nonsense-mediated mRNA decay. As such, this alteration is interpreted as a disease-causing mutation.

Labcorp Genetics (formerly Invitae), Labcorp
Classification: Pathogenic for Hereditary breast ovarian cancer syndrome. Last evaluated: 2020-05-12. Review status: criteria provided, single submitter. Criteria: Invitae Variant Classification Sherloc (09022015). Collection method: clinical testing. Allele origin: germline. Not counted in ClinVar's aggregate classification.
Comment: For these reasons, this variant has been classified as Pathogenic. Loss-of-function variants in BRCA1 are known to be pathogenic (PMID: 20104584). This variant has been observed in an individual with early onset breast cancer (PMID: 21318380). This variant is also known as 4176del5 in the literature. ClinVar contains an entry for this variant (Variation ID: 55091). This variant is not present in population databases (ExAC no frequency). This sequence change creates a premature translational stop signal (p.Glu1353*) in the BRCA1 gene. It is expected to result in an absent or disrupted protein product.

Revvity Omics, Revvity
Classification: Pathogenic. Last evaluated: 2019-12-04. Review status: criteria provided, single submitter. Criteria: ACMG Guidelines, 2015. Collection method: clinical testing. Allele origin: germline. Not counted in ClinVar's aggregate classification.

Consortium of Investigators of Modifiers of BRCA1/2 (CIMBA), c/o University of Cambridge
Classification: Pathogenic for Breast-ovarian cancer, familial, susceptibility to, 1. Last evaluated: 2015-10-02. Review status: criteria provided, single submitter. Criteria: CIMBA Mutation Classification guidelines May 2016. Collection method: clinical testing. Allele origin: germline. Not counted in ClinVar's aggregate classification.

Literature cited by the submitters: PubMed 21318380 (cited by 3 submitters); PubMed 29446198 (cited by Ambry Genetics); PubMed 30350268 (cited by Ambry Genetics); PubMed 20104584 (cited by Labcorp Genetics (formerly Invitae), Labcorp).

NM_007294.4(BRCA1):c.4057_4061del (p.Glu1352_Glu1353insTer)

Genes: BRCA1 (BRCA1 DNA repair associated; minus strand), LOC126862571 (BRD4-independent group 4 enhancer GRCh37_chr17:41243136-41244335; plus strand). Cytogenetic location: 17q21.31.
Variant type: Deletion.
Coding change: c.4057_4061del on transcript NM_007294.4 (MANE Select); coding-DNA positions 4057 to 4061, 5 bases deleted (GAAAA; older notation c.4057_4061delGAAAA).
Protein change: p.Glu1352_Glu1353insTer.
Molecular consequence: nonsense. On other transcripts: frameshift variant (1), intron variant (135).
Genome position (GRCh38, 1-based): chr17:43,091,470-43,091,474, TTTTC deleted on the plus strand (GAAAA on the coding strand, the reverse complement: BRCA1 is on the minus strand); deleting any 5 consecutive bases within chr17:43,091,470-43,091,476 gives the same sequence; the c. name uses the placement nearest the transcript's 3' end. VCF-style (leftmost placement, unchanged base first): chr17-43091469-ATTTTC-A. GRCh37 (hg19) VCF-style: chr17-41243486-ATTTTC-A.
Other names: 4176del5-ter1358; c.4057_4061delGAAAA (NM_007294.3); c.3913_3917del, p.Glu1304_Glu1305insTer (NM_001407740.1, NM_001407741.1, NM_001407742.1 and 20 more transcripts); c.3916_3920del, p.Glu1305_Glu1306insTer (NM_001407750.1, NM_001407751.1, NM_001407752.1 and 29 more transcripts); c.3844_3848del, p.Glu1281_Glu1282insTer (NM_001407853.1, NM_001407894.1, NM_001407895.1 and 9 more transcripts); c.4057_4061del, p.Glu1352_Glu1353insTer (NM_001407854.1, NM_001407858.1, NM_001407859.1 and 30 more transcripts); c.4054_4058del, p.Glu1351_Glu1352insTer (NM_001407860.1, NM_001407861.1, NM_001407587.1 and 22 more transcripts); c.3856_3860del, p.Glu1285_Glu1286insTer (NM_001407862.1); and 43 more.
Identifiers: ClinVar variation 55091 (VCV000055091.22), dbSNP rs397509133, ClinGen allele CA002591.
Genomic context (GRCh38, chr17:43,091,469, plus strand): 5'-CAAACACAAAAACCTGGTTCCAATACCTAAGTTTGAATCCATGCTTTGCTCTTCTTGATT[ATTTTC>A]TTCCAAGCCCGTTCCTCTTTCTTCATCATCTGAAACCAATTCCTTGTCACTCAGACCAAC-3'